The following is an entry in ClinVar:

ClinVar aggregate classification (germline): Uncertain significance (1 of 4 stars; one submission).

gnomAD v4.1: 6 of 1,612,686 alleles (0.00037%); highest among the groups gnomAD compares: Non-Finnish European, 0.00051%; no homozygotes.

Submission:

Labcorp Genetics (formerly Invitae), Labcorp
Classification: Uncertain significance. Last evaluated: 2024-04-12. Review status: criteria provided, single submitter. Criteria: Invitae Variant Classification Sherloc (09022015). Collection method: clinical testing. Allele origin: germline.
Comment: This sequence change replaces arginine, which is basic and polar, with glycine, which is neutral and non-polar, at codon 385 of the SLC12A6 protein (p.Arg385Gly). This variant is present in population databases (rs371563831, gnomAD 0.0009%). This variant has not been reported in the literature in individuals affected with SLC12A6-related conditions. Advanced modeling of protein sequence and biophysical properties (such as structural, functional, and spatial information, amino acid conservation, physicochemical variation, residue mobility, and thermodynamic stability) performed at Invitae indicates that this missense variant is not expected to disrupt SLC12A6 protein function with a negative predictive value of 80%. In summary, the available evidence is currently insufficient to determine the role of this variant in disease. Therefore, it has been classified as a Variant of Uncertain Significance.

NM_001365088.1(SLC12A6):c.1153A>G (p.Arg385Gly)

Gene: SLC12A6 (solute carrier family 12 member 6; minus strand). Cytogenetic location: 15q14.
Variant type: single nucleotide variant.
Coding change: c.1153A>G on transcript NM_001365088.1 (MANE Select); coding-DNA position 1153, A replaced by G.
Protein change: p.Arg385Gly; replaces arginine 385 with glycine.
Molecular consequence: missense variant.
Genome position (GRCh38, 1-based): chr15:34,252,350, T>C on the plus strand (A>G on the coding strand, the complement: SLC12A6 is on the minus strand). VCF-style: chr15-34252350-T-C. GRCh37 (hg19) VCF-style: chr15-34544551-T-C.
Other names: c.1000A>G, p.Arg334Gly (NM_005135.2); c.1153A>G, p.Arg385Gly (NM_133647.2); c.976A>G, p.Arg326Gly (NM_001042494.2, NM_001042495.2); c.1126A>G, p.Arg376Gly (NM_001042496.2); c.1108A>G, p.Arg370Gly (NM_001042497.2); short protein forms R376G, R385G, R334G, R370G, R326G.
Identifiers: ClinVar variation 3704226 (VCV003704226.2).